The following is an entry in ClinVar:

NM_000393.5(COL5A2):c.852+4A>T

Gene: COL5A2 (collagen type V alpha 2 chain; minus strand). Cytogenetic location: 2q32.2.
Variant type: single nucleotide variant.
Coding change: c.852+4A>T on transcript NM_000393.5 (MANE Select); 4 bases into the intron after coding-DNA position 852, A replaced by T.
Molecular consequence: intron variant.
Genome position (GRCh38, 1-based): chr2:189,083,980, T>A on the plus strand (A>T on the coding strand, the complement: COL5A2 is on the minus strand). VCF-style: chr2-189083980-T-A. GRCh37 (hg19) VCF-style: chr2-189948706-T-A.
Identifiers: ClinVar variation 1003547 (VCV001003547.7), dbSNP rs376981154, ClinGen allele CA2022933.
Genomic context (GRCh38, chr2:189,083,980, plus strand): 5'-ATTGTGATTTAATTCAATGTTCTTTATTTTTCAAAGTTTGCCTTTATGTTGAGTATAAAC[T>A]TACCGGAGATCCTGCAAATCCCACTTCACCAGGATTTCCATTTCTGCCAGGTTCACCCTT-3'

ClinVar aggregate classification (germline): Uncertain significance (1 of 4 stars; one submission).

Conditions:
Ehlers-Danlos syndrome, classic type, 1 (EDSCL1). Also called: EHLERS-DANLOS SYNDROME, GRAVIS TYPE; EHLERS-DANLOS SYNDROME, SEVERE CLASSIC TYPE; EDS I; Ehlers-Danlos Syndrome, Classic Type, COL5A1-Related; Ehlers-Danlos syndrome, type 1. Identifiers: MedGen C0268335, MONDO:0019567, OMIM 130000.

Allele frequency attached by ClinVar (database versions not stated): gnomAD 0.00001; gnomAD exomes 0.00002 and below 0.00001; TOPMed below 0.00001; ExAC 0.00003; ESP Exome Variant Server 0.00015.
gnomAD v4.1: 9 of 1,609,132 alleles (0.00056%); highest among the groups gnomAD compares: Non-Finnish European, 0.000085%; no homozygotes.

Submission:

Labcorp Genetics (formerly Invitae), Labcorp
Classification: Uncertain significance for Ehlers-Danlos syndrome, classic type, 1. Last evaluated: 2025-09-21. Review status: criteria provided, single submitter. Criteria: Invitae Variant Classification Sherloc (09022015). Collection method: clinical testing. Allele origin: germline.
Comment: This sequence change falls in intron 12 of the COL5A2 gene. It does not directly change the encoded amino acid sequence of the COL5A2 protein. It affects a nucleotide within the consensus splice site. This variant is present in population databases (rs376981154, gnomAD 0.04%). This variant has not been reported in the literature in individuals affected with COL5A2-related conditions. ClinVar contains an entry for this variant (Variation ID: 1003547). Variants that disrupt the consensus splice site are a relatively common cause of aberrant splicing (PMID: 17576681, 9536098). Algorithms developed to predict the effect of sequence changes on RNA splicing suggest that this variant is not likely to affect RNA splicing. In summary, the available evidence is currently insufficient to determine the role of this variant in disease. Therefore, it has been classified as a Variant of Uncertain Significance.

Literature cited by the submitters: PubMed 17576681; PubMed 9536098.